The following is an entry in ClinVar:

NM_001038603.3(MARVELD2):c.1407C>T (p.Tyr469=)

Gene: MARVELD2 (MARVEL domain containing 2; plus strand). Cytogenetic location: 5q13.2.
Variant type: single nucleotide variant.
Coding change: c.1407C>T on transcript NM_001038603.3 (MANE Select); coding-DNA position 1407, C replaced by T.
Protein change: p.Tyr469=; no amino-acid change (tyrosine 469 retained).
Molecular consequence: synonymous variant.
Genome position (GRCh38, 1-based): chr5:69,432,997, C>T. VCF-style: chr5-69432997-C-T. GRCh37 (hg19) VCF-style: chr5-68728824-C-T.
Other names: c.1371C>T, p.Tyr457= (NM_001244734.2).
Identifiers: ClinVar variation 43844 (VCV000043844.26), dbSNP rs61736168, ClinGen allele CA133013.

ClinVar aggregate classification (germline): Conflicting classifications of pathogenicity. Review status: criteria provided, conflicting classifications (1 of 4 stars). 7 submissions from 7 submitters: Uncertain significance (2); Benign (1); Likely benign (4). Last evaluated 2025-12-20.

Conditions:
Autosomal recessive nonsyndromic hearing loss 49. Also called: Deafness, neurosensory, autosomal recessive 49. Identifiers: Orphanet 90636, MedGen C1857811, MONDO:0012420, OMIM 610153.

Allele frequency attached by ClinVar (database versions not stated): ESP Exome Variant Server 0.00092; ExAC 0.00108; TOPMed 0.00123; gnomAD 0.00125 and 0.00127; gnomAD exomes 0.00126 and 0.00173; 1000 Genomes Project 30x 0.00141; 1000 Genomes Project 0.00160.
gnomAD v4.1: 2,745 of 1,614,140 alleles (0.17%); highest among the groups gnomAD compares: Admixed American, 0.24%; 3 homozygotes.

Submissions (7):

Labcorp Genetics (formerly Invitae), Labcorp
Classification: Likely benign. Last evaluated: 2025-12-20. Review status: criteria provided, single submitter. Criteria: Invitae Variant Classification Sherloc (09022015). Collection method: clinical testing. Allele origin: germline.

Blueprint Genetics
Classification: Likely benign. Last evaluated: 2024-10-14. Review status: criteria provided, single submitter. Criteria: ACMG Guidelines, 2015. Collection method: clinical testing. Allele origin: germline.

GeneDx
Classification: Likely benign. Last evaluated: 2020-12-07. Review status: criteria provided, single submitter. Criteria: GeneDx Variant Classification Process June 2021. Collection method: clinical testing. Allele origin: germline. Affected: yes.

Athena Diagnostics
Classification: Benign. Last evaluated: 2020-08-24. Review status: criteria provided, single submitter. Criteria: Athena Diagnostics criteria. Collection method: clinical testing. Allele origin: unknown.

Illumina Laboratory Services, Illumina
Classification: Uncertain significance for Autosomal recessive nonsyndromic hearing loss 49. Last evaluated: 2018-01-12. Review status: criteria provided, single submitter. Criteria: ICSL Variant Classification Criteria 13 December 2019. Collection method: clinical testing. Allele origin: germline.

Eurofins Ntd Llc (ga)
Classification: Uncertain significance. Last evaluated: 2016-03-28. Review status: criteria provided, single submitter. Criteria: EGL Classification Definitions 2015. Collection method: clinical testing. Allele origin: germline. Observed: 1 variant allele, 1 heterozygote.

Laboratory for Molecular Medicine, Mass General Brigham Personalized Medicine
Classification: Likely benign. Last evaluated: 2015-09-03. Review status: criteria provided, single submitter. Criteria: LMM Criteria. Collection method: clinical testing. Allele origin: germline. Observed: 5 variant alleles.
Comment: p.Tyr469Tyr in Exon 5 of MARVELD2: This variant is not expected to have clinical significance because it does not alter an amino acid residue, is not located wi thin the splice consensus sequence, and has been identified in 0.2% (107/66738) by the Exome Aggregation Consortium (dbSNP rs61 736168).